The following is an entry in ClinVar:

ClinVar aggregate classification (germline): Uncertain significance (1 of 4 stars; one submission).

Conditions:
Autosomal dominant nonsyndromic hearing loss 23. Identifiers: Orphanet 90635, MedGen C1854594, MONDO:0011519, OMIM 605192.
Branchiootic syndrome 3 (BOS3). Also called: BO SYNDROME 3. Identifiers: MedGen C1842124, MONDO:0012025, OMIM 608389.

Allele frequency attached by ClinVar (database versions not stated): gnomAD exomes below 0.00001.
gnomAD v4.1: 1 of 1,613,388 alleles (0.000062%); highest among the groups gnomAD compares: Non-Finnish European, 0.000085%; no homozygotes.

Submission:

Labcorp Genetics (formerly Invitae), Labcorp
Classification: Uncertain significance for Autosomal dominant nonsyndromic hearing loss 23; Branchiootic syndrome 3. Last evaluated: 2017-04-25. Review status: criteria provided, single submitter. Criteria: Invitae Variant Classification Sherloc (09022015). Collection method: clinical testing. Allele origin: germline.
Comment: In summary, this variant is a novel missense change with uncertain impact on protein function. It has been classified as a Variant of Uncertain Significance. Algorithms developed to predict the effect of missense changes on protein structure and function do not agree on the potential impact of this missense change (SIFT: "Deleterious"; PolyPhen-2: "Possibly Damaging"; Align-GVGD: "Class C15"). This variant is not present in population databases (ExAC no frequency) and has not been reported in the literature in individuals with a SIX1-related disease. This sequence change replaces serine with isoleucine at codon 215 of the SIX1 protein (p.Ser215Ile). The serine residue is highly conserved and there is a large physicochemical difference between serine and isoleucine.

NM_005982.4(SIX1):c.644G>T (p.Ser215Ile)

Gene: SIX1 (SIX homeobox 1; minus strand). Cytogenetic location: 14q23.1.
Variant type: single nucleotide variant.
Coding change: c.644G>T on transcript NM_005982.4 (MANE Select); coding-DNA position 644, G replaced by T.
Protein change: p.Ser215Ile; replaces serine 215 with isoleucine.
Molecular consequence: missense variant.
Genome position (GRCh38, 1-based): chr14:60,646,494, C>A on the plus strand (G>T on the coding strand, the complement: SIX1 is on the minus strand). VCF-style: chr14-60646494-C-A. GRCh37 (hg19) VCF-style: chr14-61113212-C-A.
Other names: short protein forms S215I.
Identifiers: ClinVar variation 466173 (VCV000466173.8), dbSNP rs540778343, ClinGen allele CA389909850.
Genomic context (GRCh38, chr14:60,646,494, plus strand): 5'-TGCAGCAGAAGGACCGAGTTCTGGTCTGGACTTTGGGGAGGTGAGAATTCCTCTTCTGAG[C>A]TGGACATGAGCGGCTTGCCCCCTTCCAGAGGAGAGAGTTGGTTCTGCTTGTTGGAGGAGG-3'
Protein context (NP_005973.1, residues 205-225): PLEGGKPLMS[Ser215Ile]SEEEFSPPQS